The following is an entry in ClinVar:

NM_000466.3(PEX1):c.2060G>T (p.Arg687Leu)

Gene: PEX1 (peroxisomal biogenesis factor 1; minus strand). Cytogenetic location: 7q21.2.
Variant type: single nucleotide variant.
Coding change: c.2060G>T on transcript NM_000466.3 (MANE Select); coding-DNA position 2060, G replaced by T.
Protein change: p.Arg687Leu; replaces arginine 687 with leucine.
Molecular consequence: missense variant. On other transcripts: intron variant (1).
Genome position (GRCh38, 1-based): chr7:92,504,743, C>A on the plus strand (G>T on the coding strand, the complement: PEX1 is on the minus strand). VCF-style: chr7-92504743-C-A. GRCh37 (hg19) VCF-style: chr7-92134057-C-A.
Other names: c.1436G>T, p.Arg479Leu (NM_001282678.2); c.1900+1505G>T (NM_001282677.2); c.2060G>T (NM_000466.2); short protein forms R479L, R687L.
Identifiers: ClinVar variation 1919784 (VCV001919784.3), dbSNP rs201443294, ClinGen allele CA368182796.
Genomic context (GRCh38, chr7:92,504,743, plus strand): 5'-GCTGACTGACAAAAGAACAAGACCTTAAGCCAGTGGTGGATGCATTTACCATGAGCAAGC[C>A]GCTGGCTCTGCACCGCATCAGGACTGTGCTCATGTTCCGGGACAGCAGGCAGTCCAGCAA-3'
Protein context (NP_000457.1, residues 677-697): EHSPDAVQSQ[Arg687Leu]LAHALNDMIK

ClinVar aggregate classification (germline): Uncertain significance. Review status: criteria provided, multiple submitters, no conflicts (2 of 4 stars). 2 submissions from 2 submitters: Uncertain significance (2). Last evaluated 2026-07-08.

Conditions:
PEX1-related disorder. Also called: PEX1-related condition.
Zellweger spectrum disorders (ZS). Also called: Zellweger Spectrum Disorder; Zellweger Spectrum; Zellweger Spectrum Disorder (ZSD); Zellweger syndrome. Identifiers: Orphanet 912, MedGen C0043459, MONDO:0019609.

Submissions (2):

PreventionGenetics, part of Exact Sciences
Classification: Uncertain significance for PEX1-related condition. Last evaluated: 2026-07-08. Review status: criteria provided, single submitter. Criteria: ACMG Guidelines, 2015. Collection method: clinical testing. Allele origin: germline.
Comment: The PEX1 c.2060G>T variant is predicted to result in the amino acid substitution p.Arg687Leu. To our knowledge, this variant has not been reported in the literature or in a large population database (gnomAD), indicating this variant is rare. At this time, the clinical significance of this variant is uncertain due to the absence of conclusive functional and genetic evidence.

Labcorp Genetics (formerly Invitae), Labcorp
Classification: Uncertain significance for Zellweger spectrum disorders. Last evaluated: 2022-08-22. Review status: criteria provided, single submitter. Criteria: Invitae Variant Classification Sherloc (09022015). Collection method: clinical testing. Allele origin: germline.
Comment: This sequence change replaces arginine, which is basic and polar, with leucine, which is neutral and non-polar, at codon 687 of the PEX1 protein (p.Arg687Leu). This variant is not present in population databases (gnomAD no frequency). This variant has not been reported in the literature in individuals affected with PEX1-related conditions. Algorithms developed to predict the effect of missense changes on protein structure and function (SIFT, PolyPhen-2, Align-GVGD) all suggest that this variant is likely to be tolerated. In summary, the available evidence is currently insufficient to determine the role of this variant in disease. Therefore, it has been classified as a Variant of Uncertain Significance.